The following is an entry in ClinVar:

NM_016938.5(EFEMP2):c.790C>G (p.Arg264Gly)

Gene: EFEMP2 (EGF containing fibulin extracellular matrix protein 2; minus strand). Cytogenetic location: 11q13.1.
Variant type: single nucleotide variant.
Coding change: c.790C>G on transcript NM_016938.5 (MANE Select); coding-DNA position 790, C replaced by G.
Protein change: p.Arg264Gly; replaces arginine 264 with glycine.
Molecular consequence: missense variant. On other transcripts: non-coding transcript variant (1).
Genome position (GRCh38, 1-based): chr11:65,868,567, G>C on the plus strand (C>G on the coding strand, the complement: EFEMP2 is on the minus strand). VCF-style: chr11-65868567-G-C. GRCh37 (hg19) VCF-style: chr11-65636038-G-C.
Other names: short protein forms R264G.
Identifiers: ClinVar variation 3506976 (VCV003506976.1).

ClinVar aggregate classification (germline): Uncertain significance (1 of 4 stars; one submission).

Conditions:
Cardiovascular phenotype. Identifiers: MedGen CN230736.

Submission:

Ambry Genetics
Classification: Uncertain significance for Cardiovascular phenotype. Last evaluated: 2024-11-01. Review status: criteria provided, single submitter. Criteria: Ambry Variant Classification Scheme 2023. Collection method: clinical testing. Allele origin: germline.
Comment: The p.R264G variant (also known as c.790C>G), located in coding exon 7 of the EFEMP2 gene, results from a C to G substitution at nucleotide position 790. The arginine at codon 264 is replaced by glycine, an amino acid with dissimilar properties. This amino acid position is conserved. In addition, the in silico prediction for this alteration is inconclusive. Based on the available evidence, the clinical significance of this variant remains unclear.